The following is an entry in ClinVar:

ClinVar aggregate classification (germline): Uncertain significance. Review status: criteria provided, multiple submitters, no conflicts (2 of 4 stars). 2 submissions from 2 submitters: Uncertain significance (2). Last evaluated 2025-07-17.

Conditions:
Wilson disease (WND). Also called: Wilson's disease. Identifiers: Orphanet 905, MedGen C0019202, MONDO:0010200, OMIM 277900. Disease mechanism: loss of function.

gnomAD v4.1: 5 of 1,613,958 alleles (0.00031%); highest among the groups gnomAD compares: African/African-American, 0.0067%; no homozygotes.

Submissions (2):

Color Diagnostics, LLC DBA Color Health
Classification: Uncertain significance for Wilson disease. Last evaluated: 2025-07-17. Review status: criteria provided, single submitter. Criteria: ACMG Guidelines, 2015. Collection method: clinical testing. Allele origin: germline.
Comment: This missense variant replaces alanine with serine at codon 297 of the ATP7B protein. Computational prediction is inconclusive regarding the impact of this variant on protein structure and function. To our knowledge, functional studies have not been reported for this variant. This variant has not been reported in individuals affected with ATP7B-related disorders in the literature. This variant has been identified in 4/248692 chromosomes in the general population by the Genome Aggregation Database (gnomAD). The available evidence is insufficient to determine the role of this variant in disease conclusively. Therefore, this variant is classified as a Variant of Uncertain Significance.

Fulgent Genetics
Classification: Uncertain significance for Wilson disease. Last evaluated: 2024-04-15. Review status: criteria provided, single submitter. Criteria: ACMG Guidelines, 2015. Collection method: clinical testing. Allele origin: germline.

NM_000053.4(ATP7B):c.889G>T (p.Ala297Ser)

Gene: ATP7B (ATPase copper transporting beta; minus strand). Cytogenetic location: 13q14.3.
Variant type: single nucleotide variant.
Coding change: c.889G>T on transcript NM_000053.4 (MANE Select); coding-DNA position 889, G replaced by T.
Protein change: p.Ala297Ser; replaces alanine 297 with serine.
Molecular consequence: missense variant. On other transcripts: intron variant (2).
Genome position (GRCh38, 1-based): chr13:51,974,331, C>A on the plus strand (G>T on the coding strand, the complement: ATP7B is on the minus strand). VCF-style: chr13-51974331-C-A. GRCh37 (hg19) VCF-style: chr13-52548467-C-A.
Other names: c.889G>T, p.Ala297Ser (NM_001406513.1, NM_001406514.1, NM_001406515.1 and 29 more transcripts); c.793G>T, p.Ala265Ser (NM_001406517.1, NM_001406518.1, NM_001406536.1 and 3 more transcripts); c.802+87G>T (NM_001243182.2); c.706+87G>T (NM_001406539.1); short protein forms A265S, A297S.
Identifiers: ClinVar variation 3576322 (VCV003576322.2).